The following is an entry in ClinVar:

NM_001025389.2(AMPD3):c.63G>A (p.Ala21=)

Gene: AMPD3 (adenosine monophosphate deaminase 3; plus strand). Cytogenetic location: 11p15.4.
Variant type: single nucleotide variant.
Coding change: c.63G>A on transcript NM_001025389.2 (MANE Select); coding-DNA position 63, G replaced by A.
Protein change: p.Ala21=; no amino-acid change (alanine 21 retained).
Molecular consequence: synonymous variant. On other transcripts: 5 prime UTR variant (1).
Genome position (GRCh38, 1-based): chr11:10,461,582, G>A. VCF-style: chr11-10461582-G-A. GRCh37 (hg19) VCF-style: chr11-10483129-G-A.
Other names: c.90G>A, p.Ala30= (NM_000480.3); c.84G>A, p.Ala28= (NM_001025390.2); c.63G>A, p.Ala21= (NM_001172430.1); c.-210G>A (NM_001172431.2).
Identifiers: ClinVar variation 3050911 (VCV003050911.2), dbSNP rs142453229, ClinGen allele CA5882527.
Genomic context (GRCh38, chr11:10,461,582, plus strand): 5'-GCCGCGGCAGTTTCCCAAGCTGAACATCTCTGAAGTGGATGAGCAAGTCCGGCTCCTGGC[G>A]GAGAAGGTGTTTGCTAAAGTGCTCCGAGAAGAGGACAGCAAAGATGCCCTGTCCCTGTTC-3'
Protein context (NP_001020560.1, residues 11-31): SEVDEQVRLL[Ala21=]EKVFAKVLRE

ClinVar aggregate classification (germline): Likely benign (0 of 4 stars; one submission).

Conditions:
AMPD3-related disorder. Also called: AMPD3-related condition.

Allele frequency attached by ClinVar (database versions not stated): gnomAD exomes 0.00006; ExAC 0.00022; gnomAD 0.00053; TOPMed 0.00071; ESP Exome Variant Server 0.00077; 1000 Genomes Project 30x 0.00109; 1000 Genomes Project 0.00120.
gnomAD v4.1: 177 of 1,614,224 alleles (0.011%); highest among the groups gnomAD compares: African/African-American, 0.18%; 1 homozygote.

Submission:

PreventionGenetics, part of Exact Sciences
Classification: Likely benign for AMPD3-related condition. Last evaluated: 2019-02-20. Review status: no assertion criteria provided. Collection method: clinical testing. Allele origin: germline.
Comment: This variant is classified as likely benign based on ACMG/AMP sequence variant interpretation guidelines (Richards et al. 2015 PMID: 25741868, with internal and published modifications).